The following is an entry in ClinVar:

NM_006363.6(SEC23B):c.1512T>C (p.Asn504=)

Gene: SEC23B (SEC23 homolog B, COPII component; plus strand). Cytogenetic location: 20p11.23.
Variant type: single nucleotide variant.
Coding change: c.1512T>C on transcript NM_006363.6 (MANE Select); coding-DNA position 1512, T replaced by C.
Protein change: p.Asn504=; no amino-acid change (asparagine 504 retained).
Molecular consequence: synonymous variant.
Genome position (GRCh38, 1-based): chr20:18,543,019, T>C. VCF-style: chr20-18543019-T-C. GRCh37 (hg19) VCF-style: chr20-18523663-T-C.
Other names: c.1512T>C, p.Asn504= (NM_001172745.3, NM_032985.6, NM_032986.5); c.1458T>C, p.Asn486= (NM_001172746.3).
Identifiers: ClinVar variation 337797 (VCV000337797.60), dbSNP rs138198461, ClinGen allele CA9778401.

ClinVar aggregate classification (germline): Benign/Likely benign. Review status: criteria provided, multiple submitters, no conflicts (2 of 4 stars). 9 submissions from 9 submitters: Benign (1); Likely benign (6). 2 of the submissions do not count toward it. Last evaluated 2026-09-01.

Conditions:
Cowden syndrome 7 (CWS7). Identifiers: Orphanet 201, MedGen C4225179, MONDO:0014802, OMIM 616858.
Congenital dyserythropoietic anemia, type II (CDAN2). Also called: DYSERYTHROPOIETIC ANEMIA, HEMPAS TYPE. Identifiers: Orphanet 98873, MedGen C1306589, MONDO:0009134, OMIM 224100.

Allele frequency attached by ClinVar (database versions not stated): gnomAD 0.00255 and 0.00271; TOPMed 0.00257; gnomAD exomes 0.00299 and 0.00311; ExAC 0.00315; ESP Exome Variant Server 0.00400; 1000 Genomes Project 30x 0.00078; 1000 Genomes Project 0.00080.
gnomAD v4.1: 4,931 of 1,614,136 alleles (0.31%); highest among the groups gnomAD compares: Non-Finnish European, 0.34%; 10 homozygotes.

Submissions (9):

CeGaT Center for Human Genetics Tuebingen
Classification: Likely benign. Last evaluated: 2026-09-01. Review status: criteria provided, single submitter. Criteria: CeGaT Center For Human Genetics Tuebingen Variant Classification Criteria Version 2. Collection method: clinical testing. Allele origin: germline. Affected: yes. Observed: 52 variant alleles.
Comment: SEC23B: BP4, BP7

Labcorp Genetics (formerly Invitae), Labcorp
Classification: Benign for Congenital dyserythropoietic anemia, type II; Cowden syndrome 7. Last evaluated: 2026-02-02. Review status: criteria provided, single submitter. Criteria: Invitae Variant Classification Sherloc (09022015). Collection method: clinical testing. Allele origin: germline.

ARUP Laboratories, Molecular Genetics and Genomics, ARUP Laboratories
Classification: Likely benign. Last evaluated: 2025-05-12. Review status: criteria provided, single submitter. Criteria: ARUP Molecular Germline Variant Investigation Process 2024. Collection method: clinical testing. Allele origin: germline.

Mayo Clinic Laboratories, Mayo Clinic
Classification: Likely benign. Last evaluated: 2024-08-16. Review status: criteria provided, single submitter. Criteria: ACMG Guidelines, 2015. Collection method: clinical testing. Allele origin: germline. Observed: 14 variant alleles.

Mendelics
Classification: Likely benign for Congenital dyserythropoietic anemia, type II. Last evaluated: 2019-05-28. Review status: criteria provided, single submitter. Criteria: Mendelics Assertion Criteria 2017. Collection method: clinical testing. Allele origin: unknown.

Illumina Laboratory Services, Illumina
Classification: Likely benign for Congenital dyserythropoietic anemia, type II. Last evaluated: 2018-01-13. Review status: criteria provided, single submitter. Criteria: ICSL Variant Classification Criteria 13 December 2019. Collection method: clinical testing. Allele origin: germline.
Comment: This variant was observed in the ICSL laboratory as part of a predisposition screen in an ostensibly healthy population. It had not been previously curated by ICSL or reported in the Human Gene Mutation Database (HGMD: prior to June 1st, 2018), and was therefore a candidate for classification through an automated scoring system. Utilizing variant allele frequency, disease prevalence and penetrance estimates, and inheritance mode, an automated score was calculated to assess if this variant is too frequent to cause the disease. Based on the score and internal cut-off values, a variant classified as likely benign is not then subjected to further curation. The score for this variant resulted in a classification of likely benign for this disease.

Institute for Genomic Medicine (IGM) Clinical Laboratory, Nationwide Children's Hospital
Classification: Likely benign. Last evaluated: 2017-05-04. Review status: criteria provided, single submitter. Criteria: ACMG Guidelines, 2015. Collection method: clinical testing. Allele origin: germline.
Comment: BS1, BP7; This alteration has an allele frequency that is greater than expected for the associated disease, and is a synonymous alteration with no predicted impact on splicing and/or occurring at a non-evolutionarily conserved nucleotide position.

Clinical Genetics DNA and cytogenetics Diagnostics Lab, Erasmus MC, Erasmus Medical Center
Classification: Likely benign. Review status: no assertion criteria provided. Collection method: clinical testing. Allele origin: germline. Affected: yes. Study: VKGL Data-share Consensus. Not counted in ClinVar's aggregate classification.

Genome Diagnostics Laboratory, University Medical Center Utrecht
Classification: Likely benign. Review status: no assertion criteria provided. Collection method: clinical testing. Allele origin: germline. Affected: yes. Study: VKGL Data-share Consensus. Not counted in ClinVar's aggregate classification.

Literature cited by the submitters: PubMed 26522472 (cited by Mayo Clinic Laboratories, Mayo Clinic).